The following is an entry in ClinVar:

ClinVar aggregate classification (germline): Uncertain significance (1 of 4 stars; one submission).

Conditions:
Inborn genetic diseases. Identifiers: MedGen C0950123, MeSH D030342.

Allele frequency attached by ClinVar (database versions not stated): TOPMed below 0.00001.

Submission:

Ambry Genetics
Classification: Uncertain significance for Inborn genetic diseases. Last evaluated: 2020-06-24. Review status: criteria provided, single submitter. Criteria: Ambry Variant Classification Scheme 2023. Collection method: clinical testing. Allele origin: germline.
Comment: The p.V2097L variant (also known as c.6289G>C), located in coding exon 42 of the DST gene, results from a G to C substitution at nucleotide position 6289. The valine at codon 2097 is replaced by leucine, an amino acid with highly similar properties. This amino acid position is not well conserved in available vertebrate species. In addition, this alteration is predicted to be tolerated by in silico analysis. Since supporting evidence is limited at this time, the clinical significance of this alteration remains unclear.

NM_001374736.1(DST):c.12646G>C (p.Val4216Leu)

Gene: DST (dystonin; minus strand). Cytogenetic location: 6p12.1.
Variant type: single nucleotide variant.
Coding change: c.12646G>C on transcript NM_001374736.1 (MANE Select); coding-DNA position 12646, G replaced by C.
Protein change: p.Val4216Leu; replaces valine 4216 with leucine.
Molecular consequence: missense variant.
Genome position (GRCh38, 1-based): chr6:56,593,743, C>G on the plus strand (G>C on the coding strand, the complement: DST is on the minus strand). VCF-style: chr6-56593743-C-G. GRCh37 (hg19) VCF-style: chr6-56458541-C-G.
Other names: c.5755G>C, p.Val1919Leu (NM_001386100.1, NM_183380.4, NM_001374730.1); c.4777G>C, p.Val1593Leu (NM_015548.5); c.6289G>C, p.Val2097Leu (NM_001144769.5); c.5875G>C, p.Val1959Leu (NM_001144770.2); c.12646G>C, p.Val4216Leu (NM_001374722.1); c.12013G>C, p.Val4005Leu (NM_001374729.1); c.12673G>C, p.Val4225Leu (NM_001374734.1); short protein forms V1593L, V2097L, V4005L, V1959L, V4216L, V1919L, V4225L.
Identifiers: ClinVar variation 1752636 (VCV001752636.2), dbSNP rs1688264349, ClinGen allele CA364525413.
Genomic context (GRCh38, chr6:56,593,743, plus strand): 5'-ACCGATCAGTAGCATGATCCAACTTGCGCTGCACTTCTCTGTGGGTTGCAGAAGTATCAA[C>G]CTTGCCACCGTCTCTCTTGCTGCAAGATTTGGCAGCTTCCAACACTCTGTTTCCAGAAAT-3'
Protein context (NP_001361665.1, residues 4206-4226): KSCSKRDGGK[Val4216Leu]DTSATHREVQ